The following is an entry in ClinVar:

NM_003673.4(TCAP):c.154dup (p.His52fs)

Gene: TCAP (titin-cap; plus strand). Cytogenetic location: 17q12.
Variant type: Duplication.
Coding change: c.154dup on transcript NM_003673.4 (MANE Select); coding-DNA position 154, one base duplicated (C; older notation c.154dupC).
Protein change: p.His52fs; shifts the reading frame from histidine 52.
Molecular consequence: frameshift variant.
Genome position (GRCh38, 1-based): chr17:39,665,759, C duplicated; the last of 2 consecutive C bases (chr17:39,665,758-39,665,759); duplicating either gives the same sequence. VCF-style (leftmost placement, unchanged base first): chr17-39665757-A-AC. GRCh37 (hg19) VCF-style: chr17-37822010-A-AC.
Other names: short protein forms H52fs.
Identifiers: ClinVar variation 3757356 (VCV003757356.2).

ClinVar aggregate classification (germline): Pathogenic (1 of 4 stars; one submission).

Conditions:
Primary familial hypertrophic cardiomyopathy (HCM). Identifiers: Orphanet 99739, MedGen C0949658, MeSH D024741, MONDO:0024573. Inheritance: Various modes of inheritance.
Hypertrophic cardiomyopathy 25 (CMH25). Also called: CARDIOMYOPATHY, FAMILIAL HYPERTROPHIC, 25. Identifiers: MedGen C4225408, MONDO:0011843, OMIM 607487.

Submission:

Labcorp Genetics (formerly Invitae), Labcorp
Classification: Pathogenic for Hypertrophic cardiomyopathy 25; Primary familial hypertrophic cardiomyopathy. Last evaluated: 2025-02-05. Review status: criteria provided, single submitter. Criteria: Invitae Variant Classification Sherloc (09022015). Collection method: clinical testing. Allele origin: germline.
Comment: This sequence change creates a premature translational stop signal (p.His52Profs*56) in the TCAP gene. While this is not anticipated to result in nonsense mediated decay, it is expected to disrupt the last 116 amino acid(s) of the TCAP protein. This variant is not present in population databases (gnomAD no frequency). This variant has not been reported in the literature in individuals affected with TCAP-related conditions. This variant disrupts a region of the TCAP protein in which other variant(s) (p.Cys57*) have been determined to be pathogenic (internal data). This suggests that this is a clinically significant region of the protein, and that variants that disrupt it are likely to be disease-causing. For these reasons, this variant has been classified as Pathogenic.